The following is an entry in ClinVar:

NM_000245.4(MET):c.1538T>C (p.Ile513Thr)

Gene: MET (MET proto-oncogene, receptor tyrosine kinase; plus strand). Cytogenetic location: 7q31.2.
Variant type: single nucleotide variant.
Coding change: c.1538T>C on transcript NM_000245.4 (MANE Select); coding-DNA position 1538, T replaced by C.
Protein change: p.Ile513Thr; replaces isoleucine 513 with threonine.
Molecular consequence: missense variant.
Genome position (GRCh38, 1-based): chr7:116,740,862, T>C. VCF-style: chr7-116740862-T-C. GRCh37 (hg19) VCF-style: chr7-116380916-T-C.
Other names: c.1538T>C, p.Ile513Thr (NM_001127500.3, NM_001324401.3); c.248T>C, p.Ile83Thr (NM_001324402.2); short protein forms I513T, I83T.
Identifiers: ClinVar variation 819496 (VCV000819496.14), dbSNP rs1584923080, ClinGen allele CA368974974.

ClinVar aggregate classification (germline): Uncertain significance. Review status: criteria provided, multiple submitters, no conflicts (2 of 4 stars). 2 submissions from 2 submitters: Uncertain significance (2). Last evaluated 2025-08-30.

Conditions:
Renal cell carcinoma. Identifiers: Orphanet 217071, MedGen C0007134, MeSH D002292, MONDO:0005086, HP:0005584.
Hereditary cancer-predisposing syndrome. Also called: Neoplastic Syndromes, Hereditary; Tumor predisposition; Hereditary Cancer Syndrome; Hereditary neoplastic syndrome. Identifiers: Orphanet 140162, MedGen C0027672, MeSH D009386, MONDO:0015356.

Submissions (2):

Ambry Genetics
Classification: Uncertain significance for Hereditary cancer-predisposing syndrome. Last evaluated: 2025-08-30. Review status: criteria provided, single submitter. Criteria: Ambry Variant Classification Scheme 2023. Collection method: clinical testing. Allele origin: germline.
Comment: The p.I513T variant (also known as c.1538T>C), located in coding exon 4 of the MET gene, results from a T to C substitution at nucleotide position 1538. The isoleucine at codon 513 is replaced by threonine, an amino acid with similar properties. This amino acid position is highly conserved in available vertebrate species. In addition, the in silico prediction for this alteration is inconclusive. Since supporting evidence is limited at this time, the clinical significance of this alteration remains unclear.

Labcorp Genetics (formerly Invitae), Labcorp
Classification: Uncertain significance for Renal cell carcinoma. Last evaluated: 2024-05-28. Review status: criteria provided, single submitter. Criteria: Invitae Variant Classification Sherloc (09022015). Collection method: clinical testing. Allele origin: germline.
Comment: This sequence change replaces isoleucine, which is neutral and non-polar, with threonine, which is neutral and polar, at codon 513 of the MET protein (p.Ile513Thr). This variant is not present in population databases (gnomAD no frequency). This variant has not been reported in the literature in individuals affected with MET-related conditions. ClinVar contains an entry for this variant (Variation ID: 819496). Advanced modeling of protein sequence and biophysical properties (such as structural, functional, and spatial information, amino acid conservation, physicochemical variation, residue mobility, and thermodynamic stability) performed at Invitae indicates that this missense variant is not expected to disrupt MET protein function with a negative predictive value of 80%. In summary, the available evidence is currently insufficient to determine the role of this variant in disease. Therefore, it has been classified as a Variant of Uncertain Significance.